The following is an entry in ClinVar:

ClinVar aggregate classification (germline): Uncertain significance (1 of 4 stars; one submission).

Conditions:
Inborn genetic diseases. Identifiers: MedGen C0950123, MeSH D030342.

gnomAD v4.1: 7 of 1,364,818 alleles (0.00051%); highest among the groups gnomAD compares: South Asian, 0.0072%; no homozygotes.

Submission:

Ambry Genetics
Classification: Uncertain significance for Inborn genetic diseases. Last evaluated: 2025-04-12. Review status: criteria provided, single submitter. Criteria: Ambry Variant Classification Scheme 2023. Collection method: clinical testing. Allele origin: germline.
Comment: The p.A28V variant (also known as c.83C>T), located in coding exon 1 of the KDM1A gene, results from a C to T substitution at nucleotide position 83. The alanine at codon 28 is replaced by valine, an amino acid with similar properties. This amino acid position is conserved. In addition, this alteration is predicted to be tolerated by in silico analysis. Based on the available evidence, the clinical significance of this variant remains unclear.

NM_001009999.3(KDM1A):c.83C>T (p.Ala28Val)

Gene: KDM1A (lysine demethylase 1A; plus strand). Cytogenetic location: 1p36.12.
Variant type: single nucleotide variant.
Coding change: c.83C>T on transcript NM_001009999.3 (MANE Select); coding-DNA position 83, C replaced by T.
Protein change: p.Ala28Val; replaces alanine 28 with valine.
Molecular consequence: missense variant.
Genome position (GRCh38, 1-based): chr1:23,019,679, C>T. VCF-style: chr1-23019679-C-T. GRCh37 (hg19) VCF-style: chr1-23346172-C-T.
Other names: c.83C>T, p.Ala28Val (NM_001363654.2, NM_001410762.1, NM_001410763.1 and 1 more transcripts); short protein forms A28V.
Identifiers: ClinVar variation 4042104 (VCV004042104.1).